The following is an entry in ClinVar:

NM_005996.4(TBX3):c.1464G>A (p.Ala488=)

Gene: TBX3 (T-box transcription factor 3; minus strand). Cytogenetic location: 12q24.21.
Variant type: single nucleotide variant.
Coding change: c.1464G>A on transcript NM_005996.4 (MANE Select); coding-DNA position 1464, G replaced by A.
Protein change: p.Ala488=; no amino-acid change (alanine 488 retained).
Molecular consequence: synonymous variant.
Genome position (GRCh38, 1-based): chr12:114,674,411, C>T on the plus strand (G>A on the coding strand, the complement: TBX3 is on the minus strand). VCF-style: chr12-114674411-C-T. GRCh37 (hg19) VCF-style: chr12-115112216-C-T.
Other names: c.1524G>A (NM_016569.3); c.1524G>A, p.Ala508= (NM_016569.4).
Identifiers: ClinVar variation 4771630 (VCV004771630.2).

ClinVar aggregate classification (germline): Likely benign. Review status: criteria provided, multiple submitters, no conflicts (2 of 4 stars). 2 submissions from 2 submitters: Likely benign (2). Last evaluated 2025-07-30.

Conditions:
TBX3-related disorder. Also called: TBX3-related condition.
Ulnar-mammary syndrome (UMS). Also called: SCHINZEL SYNDROME; Ulnar-mammary syndrome of Pallister; PALLISTER ULNAR-MAMMARY SYNDROME. Identifiers: Orphanet 3138, MedGen C1866994, MONDO:0008411, OMIM 181450.

gnomAD v4.1: 8 of 1,550,628 alleles (0.00052%); highest among the groups gnomAD compares: East Asian, 0.0024%; no homozygotes.

Submissions (2):

Labcorp Genetics (formerly Invitae), Labcorp
Classification: Likely benign for Ulnar-mammary syndrome. Last evaluated: 2025-07-30. Review status: criteria provided, single submitter. Criteria: Invitae Variant Classification Sherloc (09022015). Collection method: clinical testing. Allele origin: germline.

PreventionGenetics, part of Exact Sciences
Classification: Likely benign for TBX3-related condition. Last evaluated: 2024-12-31. Review status: criteria provided, single submitter. Criteria: ACMG Guidelines, 2015. Collection method: clinical testing. Allele origin: germline.
Comment: This variant is classified as likely benign based on ACMG/AMP sequence variant interpretation guidelines (Richards et al. 2015 PMID: 25741868, with internal and published modifications).